The following is an entry in ClinVar:

NM_004385.5(VCAN):c.4552G>T (p.Gly1518Trp)

Genes: VCAN (versican; plus strand), VCAN-AS1 (VCAN antisense RNA 1; minus strand). Cytogenetic location: 5q14.3.
Variant type: single nucleotide variant.
Coding change: c.4552G>T on transcript NM_004385.5 (MANE Select); coding-DNA position 4552, G replaced by T.
Protein change: p.Gly1518Trp; replaces glycine 1518 with tryptophan.
Molecular consequence: missense variant. On other transcripts: intron variant (2).
Genome position (GRCh38, 1-based): chr5:83,537,555, G>T. VCF-style: chr5-83537555-G-T. GRCh37 (hg19) VCF-style: chr5-82833374-G-T.
Other names: c.1591G>T, p.Gly531Trp (NM_001164097.2); c.4004-7982G>T (NM_001164098.2); c.1043-7982G>T (NM_001126336.3); short protein forms G531W, G1518W.
Identifiers: ClinVar variation 2836446 (VCV002836446.3), dbSNP rs1401201077, ClinGen allele CA360308505.

ClinVar aggregate classification (germline): Uncertain significance (1 of 4 stars; one submission).

Allele frequency attached by ClinVar (database versions not stated): gnomAD exomes below 0.00001.
gnomAD v4.1: 1 of 1,613,832 alleles (0.000062%); highest among the groups gnomAD compares: Non-Finnish European, 0.000085%; no homozygotes.

Submission:

Labcorp Genetics (formerly Invitae), Labcorp
Classification: Uncertain significance. Last evaluated: 2023-03-08. Review status: criteria provided, single submitter. Criteria: Invitae Variant Classification Sherloc (09022015). Collection method: clinical testing. Allele origin: germline.
Comment: This sequence change replaces glycine, which is neutral and non-polar, with tryptophan, which is neutral and slightly polar, at codon 1518 of the VCAN protein (p.Gly1518Trp). This variant is present in population databases (no rsID available, gnomAD 0.0009%). This variant has not been reported in the literature in individuals affected with VCAN-related conditions. Algorithms developed to predict the effect of missense changes on protein structure and function output the following: SIFT: "Not Available"; PolyPhen-2: "Benign"; Align-GVGD: "Not Available". The tryptophan amino acid residue is found in multiple mammalian species, which suggests that this missense change does not adversely affect protein function. In summary, the available evidence is currently insufficient to determine the role of this variant in disease. Therefore, it has been classified as a Variant of Uncertain Significance.